The following is an entry in ClinVar:

NM_002633.3(PGM1):c.1523G>A (p.Gly508Glu)

Gene: PGM1 (phosphoglucomutase 1; plus strand). Cytogenetic location: 1p31.3.
Variant type: single nucleotide variant.
Coding change: c.1523G>A on transcript NM_002633.3 (MANE Select); coding-DNA position 1523, G replaced by A.
Protein change: p.Gly508Glu; replaces glycine 508 with glutamic acid.
Molecular consequence: missense variant.
Genome position (GRCh38, 1-based): chr1:63,654,390, G>A. VCF-style: chr1-63654390-G-A. GRCh37 (hg19) VCF-style: chr1-64120061-G-A.
Other names: c.1577G>A, p.Gly526Glu (NM_001172818.1); c.932G>A, p.Gly311Glu (NM_001172819.2); short protein forms G526E, G311E, G508E.
Identifiers: ClinVar variation 2092825 (VCV002092825.4), dbSNP rs1273877478, ClinGen allele CA340639576.

ClinVar aggregate classification (germline): Uncertain significance (1 of 4 stars; one submission).

Conditions:
PGM1-congenital disorder of glycosylation. Also called: CDG It; Congenital disorder of glycosylation type 1t; PHOSPHOGLUCOMUTASE 1 DEFICIENCY; PGM1 DEFICIENCY; GLYCOGEN STORAGE DISEASE XIV; GSD XIV. Identifiers: Orphanet 319646, MedGen C2752015, MONDO:0013968, OMIM 614921.

Submission:

Labcorp Genetics (formerly Invitae), Labcorp
Classification: Uncertain significance for PGM1-congenital disorder of glycosylation. Last evaluated: 2022-02-04. Review status: criteria provided, single submitter. Criteria: Invitae Variant Classification Sherloc (09022015). Collection method: clinical testing. Allele origin: germline.
Comment: This sequence change replaces glycine, which is neutral and non-polar, with glutamic acid, which is acidic and polar, at codon 508 of the PGM1 protein (p.Gly508Glu). In summary, the available evidence is currently insufficient to determine the role of this variant in disease. Therefore, it has been classified as a Variant of Uncertain Significance. Algorithms developed to predict the effect of missense changes on protein structure and function (SIFT, PolyPhen-2, Align-GVGD) all suggest that this variant is likely to be disruptive. This variant has not been reported in the literature in individuals affected with PGM1-related conditions. This variant is not present in population databases (gnomAD no frequency).